The following is an entry in ClinVar:

NM_000059.4(BRCA2):c.4461A>C (p.Lys1487Asn)

Gene: BRCA2 (BRCA2 DNA repair associated; plus strand). Cytogenetic location: 13q13.1.
Variant type: single nucleotide variant.
Coding change: c.4461A>C on transcript NM_000059.4 (MANE Select); coding-DNA position 4461, A replaced by C.
Protein change: p.Lys1487Asn; replaces lysine 1487 with asparagine.
Molecular consequence: missense variant.
Genome position (GRCh38, 1-based): chr13:32,338,816, A>C. VCF-style: chr13-32338816-A-C. GRCh37 (hg19) VCF-style: chr13-32912953-A-C.
Other names: short protein forms K1487N.
Identifiers: ClinVar variation 966143 (VCV000966143.11), dbSNP rs786201350, ClinGen allele CA387781412.

ClinVar aggregate classification (germline): Conflicting classifications of pathogenicity. Review status: criteria provided, conflicting classifications (1 of 4 stars). 2 submissions from 2 submitters: Uncertain significance (1); Likely benign (1). Last evaluated 2023-03-23.

Conditions:
Hereditary cancer-predisposing syndrome. Also called: Hereditary neoplastic syndrome; Neoplastic Syndromes, Hereditary; Hereditary Cancer Syndrome; Tumor predisposition. Identifiers: Orphanet 140162, MedGen C0027672, MeSH D009386, MONDO:0015356.
Hereditary breast ovarian cancer syndrome. Also called: Hereditary breast and ovarian cancer; Hereditary breast and/or ovarian cancer syndrome; Hereditary breast and ovarian cancer syndrome; Hereditary breast and ovarian cancer syndrome (HBOC); Breast and ovarian cancer; BRCA1- and BRCA2-Associated Hereditary Breast and Ovarian Cancer. Identifiers: Orphanet 145, MedGen C0677776, MeSH D061325, MONDO:0003582. Disease mechanism: loss of function.

Submissions (2):

University of Washington Department of Laboratory Medicine, University of Washington
Classification: Likely benign for Hereditary cancer-predisposing syndrome. Last evaluated: 2023-03-23. Review status: criteria provided, single submitter. Criteria: Dines et al. (Genet Med. 2020). Collection method: curation. Allele origin: germline.
Comment: Missense variant in a coldspot region where missense variants are very unlikely to be pathogenic (PMID:31911673).

BRCA2 exon 11 coldspot. Reclassification based on statistical prior probability.

Labcorp Genetics (formerly Invitae), Labcorp
Classification: Uncertain significance for Hereditary breast ovarian cancer syndrome. Last evaluated: 2019-09-27. Review status: criteria provided, single submitter. Criteria: Invitae Variant Classification Sherloc (09022015). Collection method: clinical testing. Allele origin: germline.
Comment: In summary, the available evidence is currently insufficient to determine the role of this variant in disease. Therefore, it has been classified as a Variant of Uncertain Significance. Algorithms developed to predict the effect of missense changes on protein structure and function are either unavailable or do not agree on the potential impact of this missense change (SIFT: "Tolerated"; PolyPhen-2: "Probably Damaging"; Align-GVGD: "Class C0"). This variant has not been reported in the literature in individuals with BRCA2-related conditions. This variant is not present in population databases (ExAC no frequency). This sequence change replaces lysine with asparagine at codon 1487 of the BRCA2 protein (p.Lys1487Asn). The lysine residue is weakly conserved and there is a moderate physicochemical difference between lysine and asparagine.